The following is an entry in ClinVar:

ClinVar aggregate classification (germline): Uncertain significance (1 of 4 stars; one submission).

gnomAD v4.1: 4 of 1,614,048 alleles (0.00025%); highest among the groups gnomAD compares: Admixed American, 0.0033%; no homozygotes.

Submission:

Labcorp Genetics (formerly Invitae), Labcorp
Classification: Uncertain significance. Last evaluated: 2025-07-24. Review status: criteria provided, single submitter. Criteria: Invitae Variant Classification Sherloc (09022015). Collection method: clinical testing. Allele origin: germline.
Comment: This sequence change replaces tyrosine, which is neutral and polar, with asparagine, which is neutral and polar, at codon 262 of the TRPV6 protein (p.Tyr262Asn). This variant is present in population databases (no rsID available, gnomAD 0.003%). This variant has not been reported in the literature in individuals affected with TRPV6-related conditions. Experimental studies and prediction algorithms are not available or were not evaluated, and the functional significance of this variant is currently unknown. In summary, the available evidence is currently insufficient to determine the role of this variant in disease. Therefore, it has been classified as a Variant of Uncertain Significance.

NM_018646.6(TRPV6):c.784T>A (p.Tyr262Asn)

Gene: TRPV6 (transient receptor potential cation channel subfamily V member 6; minus strand). Cytogenetic location: 7q34.
Variant type: single nucleotide variant.
Coding change: c.784T>A on transcript NM_018646.6 (MANE Select); coding-DNA position 784, T replaced by A.
Protein change: p.Tyr262Asn; replaces tyrosine 262 with asparagine.
Molecular consequence: missense variant.
Genome position (GRCh38, 1-based): chr7:142,876,506, A>T on the plus strand (T>A on the coding strand, the complement: TRPV6 is on the minus strand). VCF-style: chr7-142876506-A-T. GRCh37 (hg19) VCF-style: chr7-142574259-A-T.
Other names: short protein forms Y262N.
Identifiers: ClinVar variation 4762348 (VCV004762348.1).